The following is an entry in ClinVar:

NM_001040142.2(SCN2A):c.1226T>C (p.Ile409Thr)

Gene: SCN2A (sodium voltage-gated channel alpha subunit 2; plus strand). Cytogenetic location: 2q24.3.
Variant type: single nucleotide variant.
Coding change: c.1226T>C on transcript NM_001040142.2 (MANE Select); coding-DNA position 1226, T replaced by C.
Protein change: p.Ile409Thr; replaces isoleucine 409 with threonine.
Molecular consequence: missense variant.
Genome position (GRCh38, 1-based): chr2:165,313,951, T>C. VCF-style: chr2-165313951-T-C. GRCh37 (hg19) VCF-style: chr2-166170461-T-C.
Other names: c.1226T>C, p.Ile409Thr (NM_001040143.2, NM_001371246.1, NM_001371247.1 and 1 more transcripts); short protein forms I409T.
Identifiers: ClinVar variation 3158519 (VCV003158519.2), dbSNP rs2467902588, ClinGen allele CA349022154.

ClinVar aggregate classification (germline): Uncertain significance. Review status: criteria provided, multiple submitters, no conflicts (2 of 4 stars). 2 submissions from 2 submitters: Uncertain significance (2). Last evaluated 2026-01-22.

Conditions:
Inborn genetic diseases. Identifiers: MedGen C0950123, MeSH D030342.

Submissions (2):

GeneDx
Classification: Uncertain significance. Last evaluated: 2026-01-22. Review status: criteria provided, single submitter. Criteria: GeneDx Variant Classification Process June 2021. Collection method: clinical testing. Allele origin: germline.
Comment: Not observed at significant frequency in large population cohorts (gnomAD); In silico analysis supports that this missense variant has a deleterious effect on protein structure/function; Has not been previously published as pathogenic or benign to our knowledge; This substitution is predicted to be within the transmembrane segment S6 of the first homologous domain

Ambry Genetics
Classification: Uncertain significance for Inborn genetic diseases. Last evaluated: 2024-01-18. Review status: criteria provided, single submitter. Criteria: Ambry Variant Classification Scheme 2023. Collection method: clinical testing. Allele origin: germline.
Comment: The c.1226T>C (p.I409T) alteration is located in exon 10 (coding exon 9) of the SCN2A gene. This alteration results from a T to C substitution at nucleotide position 1226, causing the isoleucine (I) at amino acid position 409 to be replaced by a threonine (T). This variant was not reported in population-based cohorts in the Genome Aggregation Database (gnomAD). This amino acid position is highly conserved in available vertebrate species. This alteration is predicted to be deleterious by in silico analysis. Based on insufficient or conflicting evidence, the clinical significance of this alteration remains unclear.